The following is an entry in ClinVar:

ClinVar aggregate classification (germline): Uncertain significance (1 of 4 stars; one submission).

Conditions:
Primary ciliary dyskinesia. Also called: Ciliary dyskinesia. Identifiers: Orphanet 244, MedGen C0008780, MONDO:0016575, HP:0012265.

Allele frequency attached by ClinVar (database versions not stated): gnomAD exomes below 0.00001; ExAC 0.00001.
gnomAD v4.1: 3 of 1,613,814 alleles (0.00019%); highest among the groups gnomAD compares: South Asian, 0.0022%; no homozygotes.

Submission:

Labcorp Genetics (formerly Invitae), Labcorp
Classification: Uncertain significance for Primary ciliary dyskinesia. Last evaluated: 2023-10-14. Review status: criteria provided, single submitter. Criteria: Invitae Variant Classification Sherloc (09022015). Collection method: clinical testing. Allele origin: germline.
Comment: This sequence change replaces tyrosine, which is neutral and polar, with phenylalanine, which is neutral and non-polar, at codon 3682 of the DNAH8 protein (p.Tyr3682Phe). This variant is present in population databases (rs746378835, gnomAD 0.003%). This missense change has been observed in individual(s) with clinical features of primary ciliary dyskinesia (Invitae). ClinVar contains an entry for this variant (Variation ID: 934911). Advanced modeling of protein sequence and biophysical properties (such as structural, functional, and spatial information, amino acid conservation, physicochemical variation, residue mobility, and thermodynamic stability) performed at Invitae indicates that this missense variant is not expected to disrupt DNAH8 protein function. In summary, the available evidence is currently insufficient to determine the role of this variant in disease. Therefore, it has been classified as a Variant of Uncertain Significance.

NM_001206927.2(DNAH8):c.11045A>T (p.Tyr3682Phe)

Genes: DNAH8 (dynein axonemal heavy chain 8; plus strand), DNAH8-AS1 (DNAH8 antisense RNA 1; minus strand). Cytogenetic location: 6p21.2.
Variant type: single nucleotide variant.
Coding change: c.11045A>T on transcript NM_001206927.2 (MANE Select); coding-DNA position 11045, A replaced by T.
Protein change: p.Tyr3682Phe; replaces tyrosine 3682 with phenylalanine.
Molecular consequence: missense variant.
Genome position (GRCh38, 1-based): chr6:38,926,137, A>T. VCF-style: chr6-38926137-A-T. GRCh37 (hg19) VCF-style: chr6-38893913-A-T.
Other names: c.10394A>T, p.Tyr3465Phe (NM_001371.4); short protein forms Y3465F, Y3682F.
Identifiers: ClinVar variation 934911 (VCV000934911.10), dbSNP rs746378835, ClinGen allele CA3790898.
Genomic context (GRCh38, chr6:38,926,137, plus strand): 5'-GATTACCAGGAGATGATCTCTCAATTCAGAATGGCATTATTGTGACAAAGGCCACCAGAT[A>T]CCCACTCCTCATAGACCCACAAACTCAAGGCAAAACTTGGATTAAATCAAAGGAAAAAGA-3'
Protein context (NP_001193856.1, residues 3672-3692): NGIIVTKATR[Tyr3682Phe]PLLIDPQTQG